The following is an entry in ClinVar:

NM_003482.4(KMT2D):c.8776G>A (p.Val2926Ile)

Gene: KMT2D (lysine methyltransferase 2D; minus strand). Cytogenetic location: 12q13.12.
Variant type: single nucleotide variant.
Coding change: c.8776G>A on transcript NM_003482.4 (MANE Select); coding-DNA position 8776, G replaced by A.
Protein change: p.Val2926Ile; replaces valine 2926 with isoleucine.
Molecular consequence: missense variant.
Genome position (GRCh38, 1-based): chr12:49,038,580, C>T on the plus strand (G>A on the coding strand, the complement: KMT2D is on the minus strand). VCF-style: chr12-49038580-C-T. GRCh37 (hg19) VCF-style: chr12-49432363-C-T.
Other names: short protein forms V2926I.
Identifiers: ClinVar variation 2968502 (VCV002968502.3), dbSNP rs1032971422, ClinGen allele CA236645464.

ClinVar aggregate classification (germline): Uncertain significance (1 of 4 stars; one submission).

Conditions:
Kabuki syndrome. Also called: NIIKAWA-KUROKI SYNDROME; Kabuki make-up syndrome. Identifiers: Orphanet 2322, MedGen C0796004, MONDO:0016512.

gnomAD v4.1: 7 of 1,612,510 alleles (0.00043%); highest among the groups gnomAD compares: Non-Finnish European, 0.00059%; no homozygotes.

Submission:

Labcorp Genetics (formerly Invitae), Labcorp
Classification: Uncertain significance for Kabuki syndrome. Last evaluated: 2024-03-09. Review status: criteria provided, single submitter. Criteria: Invitae Variant Classification Sherloc (09022015). Collection method: clinical testing. Allele origin: germline.
Comment: This sequence change replaces valine, which is neutral and non-polar, with isoleucine, which is neutral and non-polar, at codon 2926 of the KMT2D protein (p.Val2926Ile). This variant is not present in population databases (gnomAD no frequency). This variant has not been reported in the literature in individuals affected with KMT2D-related conditions. Advanced modeling of protein sequence and biophysical properties (such as structural, functional, and spatial information, amino acid conservation, physicochemical variation, residue mobility, and thermodynamic stability) performed at Invitae indicates that this missense variant is not expected to disrupt KMT2D protein function with a negative predictive value of 95%. In summary, the available evidence is currently insufficient to determine the role of this variant in disease. Therefore, it has been classified as a Variant of Uncertain Significance.